The following is an entry in ClinVar:

NM_139058.3(ARX):c.357_391del (p.Gly120fs)

Genes: ARX (aristaless related homeobox; minus strand), LOC109610631 (aristaless related homeobox polyalanine expansion region; plus strand). Cytogenetic location: Xp21.3.
Variant type: Deletion.
Coding change: c.357_391del on transcript NM_139058.3 (MANE Select); coding-DNA positions 357 to 391, 35 bases deleted.
Protein change: p.Gly120fs; shifts the reading frame from glycine 120.
Molecular consequence: frameshift variant.
Genome position (GRCh38, 1-based): chrX:25,013,604-25,013,638, 35 bases deleted; deleting any 35 consecutive bases within chrX:25,013,604-25,013,640 gives the same sequence; the c. name uses the placement nearest the transcript's 3' end. GRCh37 (hg19): chrX:25,031,723-25,031,757.
Other names: c.357_391del35 (NM_139058.2); short protein forms G120fs.
Identifiers: ClinVar variation 1993323 (VCV001993323.5), dbSNP rs2519107521, ClinGen allele CA2580100528.

ClinVar aggregate classification (germline): Pathogenic. Review status: criteria provided, multiple submitters, no conflicts (2 of 4 stars). 2 submissions from 2 submitters: Pathogenic (2). Last evaluated 2024-02-20.

Conditions:
Developmental and epileptic encephalopathy, 1 (DEE1). Also called: X-linked infantile spasms; West's syndrome; Tonic spasms with clustering, arrest of psychomotor development and hypsarrhythmia on EEG; X-Linked Infantile Spasm Syndrome; OHTAHARA SYNDROME, X-LINKED; INFANTILE SPASM SYNDROME, X-LINKED 1. Identifiers: MedGen C3463992, MONDO:0010632, OMIM 308350. Disease mechanism: loss of function.
Intellectual disability, X-linked, with or without seizures, ARX-related. Also called: MENTAL RETARDATION, X-LINKED 29; MENTAL RETARDATION, X-LINKED 32; MENTAL RETARDATION, X-LINKED 33; MENTAL RETARDATION, X-LINKED 38; MENTAL RETARDATION, X-LINKED 43; MENTAL RETARDATION, X-LINKED 76. Identifiers: Orphanet 777, MedGen C0796244, MONDO:0010317, OMIM 300419.
Inborn genetic diseases. Identifiers: MedGen C0950123, MeSH D030342.

Submissions (2):

Ambry Genetics
Classification: Pathogenic for Inborn genetic diseases. Last evaluated: 2024-02-20. Review status: criteria provided, single submitter. Criteria: Ambry Variant Classification Scheme 2023. Collection method: clinical testing. Allele origin: germline.
Comment: The c.357_391del35 (p.G120Nfs*106) alteration, located in exon 2 (coding exon 2) of the ARX gene, consists of a deletion of 35 nucleotides from position 357 to 391, causing a translational frameshift with a predicted alternate stop codon after 106 amino acids. This alteration is expected to result in loss of function by premature protein truncation or nonsense-mediated mRNA decay. This variant was not reported in population-based cohorts in the Genome Aggregation Database (gnomAD). Based on the available evidence, this alteration is classified as pathogenic.

Labcorp Genetics (formerly Invitae), Labcorp
Classification: Pathogenic for Developmental and epileptic encephalopathy, 1; Intellectual disability, X-linked, with or without seizures, ARX-related. Last evaluated: 2022-05-12. Review status: criteria provided, single submitter. Criteria: Invitae Variant Classification Sherloc (09022015). Collection method: clinical testing. Allele origin: germline.
Comment: For these reasons, this variant has been classified as Pathogenic. This variant has not been reported in the literature in individuals affected with ARX-related conditions. The frequency data for this variant in the population databases is considered unreliable, as metrics indicate insufficient coverage at this position in the gnomAD database. This sequence change creates a premature translational stop signal (p.Gly120Asnfs*106) in the ARX gene. It is expected to result in an absent or disrupted protein product. Loss-of-function variants in ARX are known to be pathogenic (PMID: 19439424, 19738637).

Literature cited by the submitters: PubMed 19439424 (cited by Labcorp Genetics (formerly Invitae), Labcorp); PubMed 19738637 (cited by Labcorp Genetics (formerly Invitae), Labcorp).